The following is an entry in ClinVar:

ClinVar aggregate classification (germline): Pathogenic (1 of 4 stars; one submission).

Conditions:
Hereditary cancer-predisposing syndrome. Also called: Neoplastic Syndromes, Hereditary; Tumor predisposition; Hereditary neoplastic syndrome; Hereditary Cancer Syndrome. Identifiers: Orphanet 140162, MedGen C0027672, MeSH D009386, MONDO:0015356.

Submission:

Ambry Genetics
Classification: Pathogenic for Hereditary cancer-predisposing syndrome. Last evaluated: 2019-10-18. Review status: criteria provided, single submitter. Criteria: Ambry Variant Classification Scheme 2023. Collection method: clinical testing. Allele origin: germline.
Comment: The c.3430delG pathogenic mutation, located in coding exon 10 of the BRCA2 gene, results from a deletion of one nucleotide at nucleotide position 3430, causing a translational frameshift with a predicted alternate stop codon (p.V1144Cfs*6). This alteration is expected to result in loss of function by premature protein truncation or nonsense-mediated mRNA decay. As such, this alteration is interpreted as a disease-causing mutation.

NM_000059.4(BRCA2):c.3430del (p.Val1144fs)

Gene: BRCA2 (BRCA2 DNA repair associated; plus strand). Cytogenetic location: 13q13.1.
Variant type: Deletion.
Coding change: c.3430del on transcript NM_000059.4 (MANE Select); coding-DNA position 3430, one base deleted (G; older notation c.3430delG).
Protein change: p.Val1144fs; shifts the reading frame from valine 1144.
Molecular consequence: frameshift variant.
Genome position (GRCh38, 1-based): chr13:32,337,785, G deleted. VCF-style (leftmost placement, unchanged base first): chr13-32337784-AG-A. GRCh37 (hg19) VCF-style: chr13-32911921-AG-A.
Other names: short protein forms V1144fs.
Identifiers: ClinVar variation 823765 (VCV000823765.4), dbSNP rs1593899526, ClinGen allele CA915948452.